The following is an entry in ClinVar:

NM_001111067.4(ACVR1):c.877G>A (p.Asp293Asn)

Gene: ACVR1 (activin A receptor type 1; minus strand). Cytogenetic location: 2q24.1.
Variant type: single nucleotide variant.
Coding change: c.877G>A on transcript NM_001111067.4 (MANE Select); coding-DNA position 877, G replaced by A.
Protein change: p.Asp293Asn; replaces aspartic acid 293 with asparagine.
Molecular consequence: missense variant.
Genome position (GRCh38, 1-based): chr2:157,766,110, C>T on the plus strand (G>A on the coding strand, the complement: ACVR1 is on the minus strand). VCF-style: chr2-157766110-C-T. GRCh37 (hg19) VCF-style: chr2-158622622-C-T.
Other names: c.877G>A, p.Asp293Asn (NM_001105.5, NM_001347663.1, NM_001347664.1 and 3 more transcripts); short protein forms D293N.
Identifiers: ClinVar variation 4990829 (VCV004990829.1).
Genomic context (GRCh38, chr2:157,766,110, plus strand): 5'-CTATGGACAGCACTATTCGAAGGCAGCTAACTGTATCCAGAGTAGTAAGCTGAAGATAGT[C>T]GTACAACGATCCCATTTCATGATAATGTGTAATTAACCACAGCTGGGTACTGGAGTGTCT-3'
Protein context (NP_001104537.1, residues 283-303): THYHEMGSLY[Asp293Asn]YLQLTTLDTV

ClinVar aggregate classification (germline): Uncertain significance (1 of 4 stars; one submission).

Conditions:
ACVR1-related disorder. Also called: ACVR1-related condition.

Submission:

PreventionGenetics, part of Exact Sciences
Classification: Uncertain significance for ACVR1-related condition. Last evaluated: 2025-12-21. Review status: criteria provided, single submitter. Criteria: ACMG Guidelines, 2015. Collection method: clinical testing. Allele origin: germline.
Comment: The ACVR1 c.877G>A variant is predicted to result in the amino acid substitution p.Asp293Asn. To our knowledge, this variant has not been reported in the literature or in a large population database (gnomAD), indicating this variant is rare. At this time, the clinical significance of this variant is uncertain due to the absence of conclusive functional and genetic evidence.